The following is an entry in ClinVar:

NM_001972.4(ELANE):c.225-3C>T

Gene: ELANE (elastase, neutrophil expressed; plus strand). Cytogenetic location: 19p13.3.
Variant type: single nucleotide variant.
Coding change: c.225-3C>T on transcript NM_001972.4 (MANE Select); 3 bases into the intron before coding-DNA position 225, C replaced by T.
Molecular consequence: intron variant.
Genome position (GRCh38, 1-based): chr19:853,259, C>T. VCF-style: chr19-853259-C-T. GRCh37 (hg19) VCF-style: chr19-853259-C-T.
Identifiers: ClinVar variation 2933429 (VCV002933429.3), dbSNP rs1213433317, ClinGen allele CA631295772.

ClinVar aggregate classification (germline): Uncertain significance (1 of 4 stars; one submission).

Conditions:
Neutropenia, severe congenital, 1, autosomal dominant. Identifiers: MedGen C1859966, MONDO:0042490, OMIM 202700.
Cyclical neutropenia. Also called: Cyclic hematopoiesis; Cyclic Neutropenia. Identifiers: Orphanet 2686, MedGen C0221023, MONDO:0008090, OMIM 162800, HP:0040289. Disease mechanism: loss of function.

Allele frequency attached by ClinVar (database versions not stated): gnomAD exomes below 0.00001; gnomAD 0.00001.
gnomAD v4.1: 5 of 1,595,250 alleles (0.00031%); highest among the groups gnomAD compares: Non-Finnish European, 0.00034%; no homozygotes.

Submission:

Labcorp Genetics (formerly Invitae), Labcorp
Classification: Uncertain significance for Neutropenia, severe congenital, 1, autosomal dominant; Cyclical neutropenia. Last evaluated: 2023-12-22. Review status: criteria provided, single submitter. Criteria: Invitae Variant Classification Sherloc (09022015). Collection method: clinical testing. Allele origin: germline.
Comment: This sequence change falls in intron 2 of the ELANE gene. It does not directly change the encoded amino acid sequence of the ELANE protein. It affects a nucleotide within the consensus splice site. This variant is present in population databases (no rsID available, gnomAD 0.007%). This variant has not been reported in the literature in individuals affected with ELANE-related conditions. Variants that disrupt the consensus splice site are a relatively common cause of aberrant splicing (PMID: 17576681, 9536098). Algorithms developed to predict the effect of sequence changes on RNA splicing suggest that this variant is not likely to affect RNA splicing. In summary, the available evidence is currently insufficient to determine the role of this variant in disease. Therefore, it has been classified as a Variant of Uncertain Significance.

Literature cited by the submitters: PubMed 17576681; PubMed 9536098.